The following is an entry in ClinVar:

NM_005188.4(CBL):c.1528C>G (p.Pro510Ala)

Gene: CBL (Cbl proto-oncogene; plus strand). Cytogenetic location: 11q23.3.
Variant type: single nucleotide variant.
Coding change: c.1528C>G on transcript NM_005188.4 (MANE Select); coding-DNA position 1528, C replaced by G.
Protein change: p.Pro510Ala; replaces proline 510 with alanine.
Molecular consequence: missense variant.
Genome position (GRCh38, 1-based): chr11:119,285,065, C>G. VCF-style: chr11-119285065-C-G. GRCh37 (hg19) VCF-style: chr11-119155775-C-G.
Other names: short protein forms P510A.
Identifiers: ClinVar variation 302781 (VCV000302781.45), dbSNP rs538054260, ClinGen allele CA6318545.
Genomic context (GRCh38, chr11:119,285,065, plus strand): 5'-CAAGCTTCCCTTCCCCCGGTGCCACCACGACTTGACCTTCTGCCGCAGCGAGTATGTGTT[C>G]CCTCAAGTGCTTCTGCTCTTGGAACTGCTTCTAAGGTAAAGCATTTTCCATTACTGCAGT-3'
Protein context (NP_005179.2, residues 500-520): LDLLPQRVCV[Pro510Ala]SSASALGTAS

ClinVar aggregate classification (germline): Conflicting classifications of pathogenicity. Review status: criteria provided, conflicting classifications (1 of 4 stars). 7 submissions from 7 submitters: Uncertain significance (1); Benign (1); Likely benign (4). 1 of the submissions does not count toward it. Last evaluated 2026-06-01.

Conditions:
CBL-related disorder. Also called: NOONAN SYNDROME-LIKE DISORDER WITHOUT JUVENILE MYELOMONOCYTIC LEUKEMIA; CBL MUTATION-ASSOCIATED SYNDROME; CBL SYNDROME. Identifiers: Orphanet 363972, MedGen C3150803, MONDO:0013308, OMIM 613563.
RASopathy. Also called: Noonan spectrum disorder; rasopathies. Identifiers: Orphanet 536391, MedGen C5555857, MONDO:0021060.

Allele frequency attached by ClinVar (database versions not stated): gnomAD exomes 0.00003 and 0.00006; ExAC 0.00004; gnomAD 0.00005; TOPMed 0.00006; 1000 Genomes Project 0.00020; 1000 Genomes Project 30x 0.00031.
gnomAD v4.1: 57 of 1,614,158 alleles (0.0035%); highest among the groups gnomAD compares: Admixed American, 0.013%; no homozygotes.

Submissions (7):

CeGaT Center for Human Genetics Tuebingen
Classification: Likely benign. Last evaluated: 2026-06-01. Review status: criteria provided, single submitter. Criteria: CeGaT Center For Human Genetics Tuebingen Variant Classification Criteria Version 2. Collection method: clinical testing. Allele origin: germline. Affected: yes. Observed: 2 variant alleles.
Comment: CBL: BP4

Labcorp Genetics (formerly Invitae), Labcorp
Classification: Likely benign for RASopathy. Last evaluated: 2025-12-15. Review status: criteria provided, single submitter. Criteria: Invitae Variant Classification Sherloc (09022015). Collection method: clinical testing. Allele origin: germline.

Blueprint Genetics
Classification: Likely benign. Last evaluated: 2024-11-05. Review status: criteria provided, single submitter. Criteria: ACMG Guidelines, 2015. Collection method: clinical testing. Allele origin: germline.

Women's Health and Genetics/Laboratory Corporation of America, LabCorp
Classification: Likely benign. Last evaluated: 2024-05-28. Review status: criteria provided, single submitter. Criteria: LabCorp Variant Classification Summary - May 2015. Collection method: clinical testing. Allele origin: germline.
Comment: Variant summary: CBL c.1528C>G (p.Pro510Ala) results in a non-conservative amino acid change in the encoded protein sequence. Three of five in-silico tools predict a benign effect of the variant on protein function. The variant allele was found at a frequency of 6.4e-05 in 251478 control chromosomes. The observed variant frequency is approximately 25 fold of the estimated maximal expected allele frequency for a pathogenic variant in CBL causing Noonan Syndrome And Related Conditions phenotype (2.5e-06). c.1528C>G has been reported in the literature in a CBL mutation-associated syndrome affected individual who inherited the variant from an unaffected parent, further evidence the variant is benign (Martinelli_2015). These report(s) do not provide unequivocal conclusions about association of the variant with Noonan Syndrome And Related Conditions. To our knowledge, no experimental evidence demonstrating an impact on protein function has been reported. The following publications have been ascertained in the context of this evaluation (PMID: 26580448, 25952305, 31970404, 27784745). ClinVar contains an entry for this variant (Variation ID: 302781). Based on the evidence outlined above, the variant was classified as likely benign.

Genetic Services Laboratory, University of Chicago
Classification: Uncertain significance. Last evaluated: 2019-03-25. Review status: criteria provided, single submitter. Criteria: ACMG Guidelines, 2015. Collection method: clinical testing. Allele origin: germline. Affected: no.

Illumina Laboratory Services, Illumina
Classification: Benign for CBL-related disorder. Last evaluated: 2018-01-13. Review status: criteria provided, single submitter. Criteria: ICSL Variant Classification Criteria 13 December 2019. Collection method: clinical testing. Allele origin: germline.
Comment: This variant was observed in the ICSL laboratory as part of a predisposition screen in an ostensibly healthy population. It had not been previously curated by ICSL or reported in the Human Gene Mutation Database (HGMD: prior to June 1st, 2018), and was therefore a candidate for classification through an automated scoring system. Utilizing variant allele frequency, disease prevalence and penetrance estimates, and inheritance mode, an automated score was calculated to assess if this variant is too frequent to cause the disease. Based on the score and internal cut-off values, a variant classified as benign is not then subjected to further curation. The score for this variant resulted in a classification of benign for this disease.

PreventionGenetics, part of Exact Sciences
Classification: Likely benign for CBL-related condition. Last evaluated: 2022-03-02. Review status: no assertion criteria provided. Collection method: clinical testing. Allele origin: germline. Not counted in ClinVar's aggregate classification.
Comment: This variant is classified as likely benign based on ACMG/AMP sequence variant interpretation guidelines (Richards et al. 2015 PMID: 25741868, with internal and published modifications).

Literature cited by the submitters: PubMed 26580448 (cited by Women's Health and Genetics/Laboratory Corporation of America, LabCorp); PubMed 25952305 (cited by Women's Health and Genetics/Laboratory Corporation of America, LabCorp); PubMed 31970404 (cited by Women's Health and Genetics/Laboratory Corporation of America, LabCorp); PubMed 27784745 (cited by Women's Health and Genetics/Laboratory Corporation of America, LabCorp).